The following is an entry in ClinVar:

ClinVar aggregate classification (germline): Uncertain significance. Review status: criteria provided, multiple submitters, no conflicts (2 of 4 stars). 3 submissions from 3 submitters: Uncertain significance (3). Last evaluated 2024-10-23.

Conditions:
Cone-rod dystrophy 15 (CORD15). Identifiers: MedGen C3150912, MONDO:0013348, OMIM 613660.

Allele frequency attached by ClinVar (database versions not stated): gnomAD exomes 0.00003; ExAC 0.00004; gnomAD 0.00006; TOPMed 0.00006; 1000 Genomes Project 30x 0.00016; 1000 Genomes Project 0.00020.
gnomAD v4.1: 54 of 1,614,166 alleles (0.0033%); highest among the groups gnomAD compares: African/African-American, 0.011%; no homozygotes.

Submissions (3):

Blueprint Genetics
Classification: Uncertain significance. Last evaluated: 2024-10-23. Review status: criteria provided, single submitter. Criteria: ACMG Guidelines, 2015. Collection method: clinical testing. Allele origin: germline.

Labcorp Genetics (formerly Invitae), Labcorp
Classification: Uncertain significance. Last evaluated: 2024-04-26. Review status: criteria provided, single submitter. Criteria: Invitae Variant Classification Sherloc (09022015). Collection method: clinical testing. Allele origin: germline.
Comment: This sequence change replaces arginine, which is basic and polar, with glutamine, which is neutral and polar, at codon 407 of the CDHR1 protein (p.Arg407Gln). This variant is present in population databases (rs201004571, gnomAD 0.005%). This variant has not been reported in the literature in individuals affected with CDHR1-related conditions. ClinVar contains an entry for this variant (Variation ID: 930756). Advanced modeling of protein sequence and biophysical properties (such as structural, functional, and spatial information, amino acid conservation, physicochemical variation, residue mobility, and thermodynamic stability) performed at Invitae indicates that this missense variant is not expected to disrupt CDHR1 protein function with a negative predictive value of 80%. In summary, the available evidence is currently insufficient to determine the role of this variant in disease. Therefore, it has been classified as a Variant of Uncertain Significance.

Centre for Mendelian Genomics, University Medical Centre Ljubljana
Classification: Uncertain significance for Cone-rod dystrophy 15. Last evaluated: 2019-08-21. Review status: criteria provided, single submitter. Criteria: ACMG Guidelines, 2015. Collection method: clinical testing. Allele origin: unknown. Affected: yes.
Comment: This variant was classified as: Uncertain significance. The available evidence on this variant's pathogenicity is insufficient or conflicting.

NM_033100.4(CDHR1):c.1220G>A (p.Arg407Gln)

Gene: CDHR1 (cadherin related family member 1; plus strand). Cytogenetic location: 10q23.1.
Variant type: single nucleotide variant.
Coding change: c.1220G>A on transcript NM_033100.4 (MANE Select); coding-DNA position 1220, G replaced by A.
Protein change: p.Arg407Gln; replaces arginine 407 with glutamine.
Molecular consequence: missense variant.
Genome position (GRCh38, 1-based): chr10:84,208,781, G>A. VCF-style: chr10-84208781-G-A. GRCh37 (hg19) VCF-style: chr10-85968537-G-A.
Other names: c.1220G>A, p.Arg407Gln (NM_001171971.3); short protein forms R407Q.
Identifiers: ClinVar variation 930756 (VCV000930756.8), dbSNP rs201004571, ClinGen allele CA5579884.